The following is an entry in ClinVar:

ClinVar aggregate classification (germline): Uncertain significance (1 of 4 stars; one submission).

Conditions:
Glycogen storage disease IXb (GSD9B). Also called: GLYCOGENOSIS OF LIVER AND MUSCLE, AUTOSOMAL RECESSIVE; GSD IXb; PHOSPHORYLASE KINASE DEFICIENCY OF LIVER AND MUSCLE, AUTOSOMAL RECESSIVE. Identifiers: Orphanet 79240, MedGen C0543514, MONDO:0009868, OMIM 261750.

Allele frequency attached by ClinVar (database versions not stated): gnomAD exomes below 0.00001; TOPMed below 0.00001; ExAC 0.00001; gnomAD 0.00001.
gnomAD v4.1: 3 of 1,613,082 alleles (0.00019%); highest among the groups gnomAD compares: Admixed American, 0.0033%; no homozygotes.

Submission:

Labcorp Genetics (formerly Invitae), Labcorp
Classification: Uncertain significance for Glycogen storage disease IXb. Last evaluated: 2022-06-19. Review status: criteria provided, single submitter. Criteria: Invitae Variant Classification Sherloc (09022015). Collection method: clinical testing. Allele origin: germline.
Comment: This sequence change replaces tryptophan, which is neutral and slightly polar, with glycine, which is neutral and non-polar, at codon 221 of the PHKB protein (p.Trp221Gly). This variant is present in population databases (rs777339972, gnomAD 0.006%). This variant has not been reported in the literature in individuals affected with PHKB-related conditions. Algorithms developed to predict the effect of missense changes on protein structure and function are either unavailable or do not agree on the potential impact of this missense change (SIFT: "Deleterious"; PolyPhen-2: "Probably Damaging"; Align-GVGD: "Class C0"). In summary, the available evidence is currently insufficient to determine the role of this variant in disease. Therefore, it has been classified as a Variant of Uncertain Significance.

NM_000293.3(PHKB):c.661T>G (p.Trp221Gly)

Gene: PHKB (phosphorylase kinase regulatory subunit beta; plus strand). Cytogenetic location: 16q12.1.
Variant type: single nucleotide variant.
Coding change: c.661T>G on transcript NM_000293.3 (MANE Select); coding-DNA position 661, T replaced by G.
Protein change: p.Trp221Gly; replaces tryptophan 221 with glycine.
Molecular consequence: missense variant.
Genome position (GRCh38, 1-based): chr16:47,547,499, T>G. VCF-style: chr16-47547499-T-G. GRCh37 (hg19) VCF-style: chr16-47581410-T-G.
Other names: c.640T>G, p.Trp214Gly (NM_001031835.3); c.661T>G, p.Trp221Gly (NM_001363837.1); short protein forms W214G, W221G.
Identifiers: ClinVar variation 1945447 (VCV001945447.2), dbSNP rs777339972, ClinGen allele CA8040561.